The following is an entry in ClinVar:

NM_006231.4(POLE):c.17G>T (p.Gly6Val)

Genes: POLE (DNA polymerase epsilon, catalytic subunit; minus strand), LOC130009266 (ATAC-STARR-seq lymphoblastoid silent region 5123; plus strand). Cytogenetic location: 12q24.33.
Variant type: single nucleotide variant.
Coding change: c.17G>T on transcript NM_006231.4 (MANE Select); coding-DNA position 17, G replaced by T.
Protein change: p.Gly6Val; replaces glycine 6 with valine.
Molecular consequence: missense variant.
Genome position (GRCh38, 1-based): chr12:132,687,299, C>A on the plus strand (G>T on the coding strand, the complement: POLE is on the minus strand). VCF-style: chr12-132687299-C-A. GRCh37 (hg19) VCF-style: chr12-133263885-C-A.
Other names: short protein forms G6V.
Identifiers: ClinVar variation 1471377 (VCV001471377.6), dbSNP rs772972882, ClinGen allele CA387373498.

ClinVar aggregate classification (germline): Uncertain significance (1 of 4 stars; one submission).

Submission:

Labcorp Genetics (formerly Invitae), Labcorp
Classification: Uncertain significance. Last evaluated: 2021-10-13. Review status: criteria provided, single submitter. Criteria: Invitae Variant Classification Sherloc (09022015). Collection method: clinical testing. Allele origin: germline.
Comment: In summary, the available evidence is currently insufficient to determine the role of this variant in disease. Therefore, it has been classified as a Variant of Uncertain Significance. Algorithms developed to predict the effect of missense changes on protein structure and function are either unavailable or do not agree on the potential impact of this missense change (SIFT: "Tolerated"; PolyPhen-2: "Not Available"; Align-GVGD: "Class C0"). This variant has not been reported in the literature in individuals affected with POLE-related conditions. The frequency data for this variant in the population databases is considered unreliable, as metrics indicate insufficient coverage at this position in the ExAC database. This sequence change replaces glycine with valine at codon 6 of the POLE protein (p.Gly6Val). The glycine residue is weakly conserved and there is a moderate physicochemical difference between glycine and valine.